The following is an entry in ClinVar:

ClinVar aggregate classification (germline): Pathogenic. Review status: criteria provided, single submitter (1 of 4 stars). 3 submissions from 2 submitters: Pathogenic (1). 2 of the submissions do not count toward it. Last evaluated 2015-12-07.

Conditions:
Solitary median maxillary central incisor syndrome. Also called: FUSED INCISORS; SMMCI SYNDROME; SINGLE CENTRAL MAXILLARY INCISOR; Single Central Incisor Syndrome; Solitary median maxillary central incisor. Identifiers: MedGen C1840235, MONDO:0007819, OMIM 147250, HP:0006315.
Holoprosencephaly 3 (HPE3). Identifiers: Orphanet 2162, MedGen C1840529, MONDO:0007733, OMIM 142945.

Submissions (3):

GeneDx
Classification: Pathogenic. Last evaluated: 2015-12-07. Review status: criteria provided, single submitter. Criteria: GeneDx Variant Classification (06012015). Collection method: clinical testing. Allele origin: germline. Affected: yes.

OMIM
Classification: Pathogenic for HOLOPROSENCEPHALY 3. Last evaluated: 2003-03-01. Review status: no assertion criteria provided. Collection method: literature only. Allele origin: germline. Not counted in ClinVar's aggregate classification.

OMIM
Classification: Pathogenic for SINGLE CENTRAL MAXILLARY INCISOR. Last evaluated: 2003-03-01. Review status: no assertion criteria provided. Collection method: literature only. Allele origin: germline. Not counted in ClinVar's aggregate classification.

Literature cited by the submitters: PubMed 12567406 (cited by OMIM).

NM_000193.4(SHH):c.383G>A (p.Trp128Ter)

Gene: SHH (sonic hedgehog signaling molecule; minus strand). Cytogenetic location: 7q36.3.
Variant type: single nucleotide variant.
Coding change: c.383G>A on transcript NM_000193.4 (MANE Select); coding-DNA position 383, G replaced by A.
Protein change: p.Trp128Ter; replaces tryptophan 128 with a stop codon.
Molecular consequence: nonsense. On other transcripts: non-coding transcript variant (2).
Genome position (GRCh38, 1-based): chr7:155,806,475, C>T on the plus strand (G>A on the coding strand, the complement: SHH is on the minus strand). VCF-style: chr7-155806475-C-T. GRCh37 (hg19) VCF-style: chr7-155599169-C-T.
Other names: c.122G>A, p.Trp41Ter (NM_001310462.2); short protein forms W128*, W41*.
Identifiers: ClinVar variation 8895 (VCV000008895.3), dbSNP rs104894053, ClinGen allele CA119989.